The following is an entry in ClinVar:

NM_001378454.1(ALMS1):c.9191T>C (p.Leu3064Ser)

Gene: ALMS1 (ALMS1 centrosome and basal body associated protein; plus strand). Cytogenetic location: 2p13.1.
Variant type: single nucleotide variant.
Coding change: c.9191T>C on transcript NM_001378454.1 (MANE Select); coding-DNA position 9191, T replaced by C.
Protein change: p.Leu3064Ser; replaces leucine 3064 with serine.
Molecular consequence: missense variant.
Genome position (GRCh38, 1-based): chr2:73,491,150, T>C. VCF-style: chr2-73491150-T-C. GRCh37 (hg19) VCF-style: chr2-73718277-T-C.
Other names: c.9194T>C, p.Leu3065Ser (NM_015120.4); short protein forms L3065S, L3064S.
Identifiers: ClinVar variation 568421 (VCV000568421.6), dbSNP rs1434010689, ClinGen allele CA347273457.

ClinVar aggregate classification (germline): Uncertain significance. Review status: criteria provided, multiple submitters, no conflicts (2 of 4 stars). 2 submissions from 2 submitters: Uncertain significance (2). Last evaluated 2025-12-22.

Conditions:
Alstrom syndrome (ALMS). Identifiers: Orphanet 64, MedGen C0268425, MONDO:0008763, OMIM 203800.

Allele frequency attached by ClinVar (database versions not stated): gnomAD exomes below 0.00001 and 0.00001; TOPMed below 0.00001; gnomAD 0.00001.
gnomAD v4.1: 16 of 1,614,094 alleles (0.00099%); highest among the groups gnomAD compares: South Asian, 0.0099%; no homozygotes.

Submissions (2):

Labcorp Genetics (formerly Invitae), Labcorp
Classification: Uncertain significance for Alstrom syndrome. Last evaluated: 2025-12-22. Review status: criteria provided, single submitter. Criteria: Invitae Variant Classification Sherloc (09022015). Collection method: clinical testing. Allele origin: germline.
Comment: This sequence change replaces leucine, which is neutral and non-polar, with serine, which is neutral and polar, at codon 3065 of the ALMS1 protein (p.Leu3065Ser). This variant is present in population databases (no rsID available, gnomAD 0.003%). This variant has not been reported in the literature in individuals affected with ALMS1-related conditions. ClinVar contains an entry for this variant (Variation ID: 568421). An algorithm developed to predict the effect of missense changes on protein structure and function outputs the following: PolyPhen-2: "Not Available". The serine amino acid residue is found in multiple mammalian species, which suggests that this missense change does not adversely affect protein function. In summary, the available evidence is currently insufficient to determine the role of this variant in disease. Therefore, it has been classified as a Variant of Uncertain Significance.

Fulgent Genetics
Classification: Uncertain significance for Alstrom syndrome. Last evaluated: 2021-10-15. Review status: criteria provided, single submitter. Criteria: ACMG Guidelines, 2015. Collection method: clinical testing. Allele origin: unknown.